The following is an entry in ClinVar:

NM_007294.4(BRCA1):c.159C>G (p.Asn53Lys)

Gene: BRCA1 (BRCA1 DNA repair associated; minus strand). Cytogenetic location: 17q21.31.
Variant type: single nucleotide variant.
Coding change: c.159C>G on transcript NM_007294.4 (MANE Select); coding-DNA position 159, C replaced by G.
Protein change: p.Asn53Lys; replaces asparagine 53 with lysine.
Molecular consequence: missense variant. On other transcripts: non-coding transcript variant (1).
Genome position (GRCh38, 1-based): chr17:43,106,509, G>C on the plus strand (C>G on the coding strand, the complement: BRCA1 is on the minus strand). VCF-style: chr17-43106509-G-C. GRCh37 (hg19) VCF-style: chr17-41258526-G-C.
Other names: c.159C>G, p.Asn53Lys (NM_001407860.1, NM_001407861.1, NM_001407863.1 and 168 more transcripts); c.-30C>G (NM_001407879.1, NM_001407881.1, NM_001407882.1 and 58 more transcripts); c.18C>G, p.Asn6Lys (NM_001407926.1, NM_001407927.1, NM_001407928.1 and 99 more transcripts); short protein forms N53K, N6K.
Identifiers: ClinVar variation 868233 (VCV000868233.3), dbSNP rs1060504588, ClinGen allele CA10601837.
Genomic context (GRCh38, chr17:43,106,509, plus strand): 5'-TATATACCTTTTGGTTATATCATTCTTACATAAAGGACACTGTGAAGGCCCTTTCTTCTG[G>C]TTGAGAAGTTTCAGCATGCAAAATCTATAAATTATAAAGAAAGAAAGAACAATTTAATTT-3'
Protein context (NP_009225.1, residues 43-63): FCKFCMLKLL[Asn53Lys]QKKGPSQCPL

Conditions:
Breast-ovarian cancer, familial, susceptibility to, 1 (BROVCA1). Also called: BRCA1 Hereditary Breast and Ovarian Cancer; OVARIAN CANCER, SUSCEPTIBILITY TO. Identifiers: Orphanet 145, MedGen C2676676, MONDO:0011450, OMIM 604370. Disease mechanism: loss of function.

Submission:

Brotman Baty Institute, University of Washington
No classification provided (evidence only). Condition: Breast-ovarian cancer, familial 1. Review status: no classification provided. Collection method: in vitro. Allele origin: not applicable. Functional consequence: functionally_normal.
ClinVar note: "not provided" was previously submitted as the classification for the variant. However, the classification appeared to be based only on an observation of functional data so it was converted to no classification on 2025-07-30.